The following is an entry in ClinVar:

ClinVar aggregate classification (germline): Uncertain significance. Review status: criteria provided, multiple submitters, no conflicts (2 of 4 stars). 2 submissions from 2 submitters: Uncertain significance (2). Last evaluated 2026-01-24.

Conditions:
Inborn genetic diseases. Identifiers: MedGen C0950123, MeSH D030342.

Submissions (2):

Ambry Genetics
Classification: Uncertain significance for Inborn genetic diseases. Last evaluated: 2026-01-24. Review status: criteria provided, single submitter. Criteria: Ambry Variant Classification Scheme 2023. Collection method: clinical testing. Allele origin: germline.
Comment: The p.R105G variant (also known as c.313A>G), located in coding exon 2 of the MBD4 gene, results from an A to G substitution at nucleotide position 313. The arginine at codon 105 is replaced by glycine, an amino acid with dissimilar properties. This amino acid position is conserved. In addition, the in silico prediction for this alteration is inconclusive. Based on the available evidence, the clinical significance of this variant remains unclear.

Labcorp Genetics (formerly Invitae), Labcorp
Classification: Uncertain significance. Last evaluated: 2024-08-11. Review status: criteria provided, single submitter. Criteria: Invitae Variant Classification Sherloc (09022015). Collection method: clinical testing. Allele origin: germline.
Comment: This sequence change replaces arginine, which is basic and polar, with glycine, which is neutral and non-polar, at codon 105 of the MBD4 protein (p.Arg105Gly). This variant is not present in population databases (gnomAD no frequency). This variant has not been reported in the literature in individuals affected with MBD4-related conditions. An algorithm developed to predict the effect of missense changes on protein structure and function (PolyPhen-2) suggests that this variant is likely to be disruptive. In summary, the available evidence is currently insufficient to determine the role of this variant in disease. Therefore, it has been classified as a Variant of Uncertain Significance.

NM_001276270.2(MBD4):c.313A>G (p.Arg105Gly)

Gene: MBD4 (methyl-CpG binding domain 4, DNA glycosylase; minus strand). Cytogenetic location: 3q21.3.
Variant type: single nucleotide variant.
Coding change: c.313A>G on transcript NM_001276270.2 (MANE Select); coding-DNA position 313, A replaced by G.
Protein change: p.Arg105Gly; replaces arginine 105 with glycine.
Molecular consequence: missense variant. On other transcripts: intron variant (1).
Genome position (GRCh38, 1-based): chr3:129,437,742, T>C on the plus strand (A>G on the coding strand, the complement: MBD4 is on the minus strand). VCF-style: chr3-129437742-T-C. GRCh37 (hg19) VCF-style: chr3-129156585-T-C.
Other names: c.313A>G, p.Arg105Gly (NM_001276271.2, NM_001276272.2, NM_003925.3); c.247+66A>G (NM_001276273.2); short protein forms R105G.
Identifiers: ClinVar variation 3699066 (VCV003699066.3).
Genomic context (GRCh38, chr3:129,437,742, plus strand): 5'-CATTTGGCTGTACTATCTTTACCATCTTATATGCTTACCTGATAAAGTACACATCAAATC[T>C]TCCTGCTGTCTTCCCAAATAACCTTTGCTTCACAACTCTTTCCCATCCACATGGGACAGA-3'
Protein context (NP_001263199.1, residues 95-115): KQRLFGKTAG[Arg105Gly]FDVYFISPQG